The following is an entry in ClinVar:

NM_024577.4(SH3TC2):c.*14411G>A

Gene: SH3TC2 (SH3 domain and tetratricopeptide repeats 2; minus strand). Cytogenetic location: 5q32.
Variant type: single nucleotide variant.
Coding change: c.*14411G>A on transcript NM_024577.4 (MANE Select); 14411 bases downstream of the stop codon, G replaced by A.
Molecular consequence: 3 prime UTR variant.
Genome position (GRCh38, 1-based): chr5:148,990,300, C>T on the plus strand (G>A on the coding strand, the complement: SH3TC2 is on the minus strand). VCF-style: chr5-148990300-C-T. GRCh37 (hg19) VCF-style: chr5-148369863-C-T.
Identifiers: ClinVar variation 351666 (VCV000351666.5), dbSNP rs143623684, ClinGen allele CA10623348.

ClinVar aggregate classification (germline): Benign. Review status: criteria provided, single submitter (1 of 4 stars). 2 submissions from 1 submitter: Benign (2). Last evaluated 2018-01-12.

Conditions:
Charcot-Marie-Tooth disease type 4C (CMT4C). Also called: CHARCOT-MARIE-TOOTH DISEASE, DEMYELINATING, AUTOSOMAL RECESSIVE, TYPE 4C; CMT 4C; Charcot-Marie-Tooth Neuropathy Type 4C (CMT4C); CHARCOT-MARIE-TOOTH DISEASE, DEMYELINATING, TYPE 4C; SH3TC2-Related Hereditary Motor and Sensory Neuropathy. Identifiers: Orphanet 99949, MedGen C1866636, MONDO:0011113, OMIM 601596.
Susceptibility to mononeuropathy of the median nerve, mild. Also called: CARPAL TUNNEL SYNDROME, SUSCEPTIBILITY TO. Identifiers: MedGen C3150596, MONDO:0013237, OMIM 613353.

Allele frequency attached by ClinVar (database versions not stated): 1000 Genomes Project 0.01318; 1000 Genomes Project 30x 0.01405; TOPMed 0.02325; gnomAD 0.02335 and 0.02369.
gnomAD v4.1: 3,527 of 151,778 alleles (2.3%); highest among the groups gnomAD compares: Non-Finnish European, 3.5%; 59 homozygotes.

Submissions (2):

Illumina Laboratory Services, Illumina
Classification: Benign for Susceptibility to mononeuropathy of the median nerve, mild. Last evaluated: 2018-01-12. Review status: criteria provided, single submitter. Criteria: ICSL Variant Classification Criteria 13 December 2019. Collection method: clinical testing. Allele origin: germline.
Comment: This variant was observed in the ICSL laboratory as part of a predisposition screen in an ostensibly healthy population. It had not been previously curated by ICSL or reported in the Human Gene Mutation Database (HGMD: prior to June 1st, 2018), and was therefore a candidate for classification through an automated scoring system. Utilizing variant allele frequency, disease prevalence and penetrance estimates, and inheritance mode, an automated score was calculated to assess if this variant is too frequent to cause the disease. Based on the score and internal cut-off values, a variant classified as benign is not then subjected to further curation. The score for this variant resulted in a classification of benign for this disease.

Illumina Laboratory Services, Illumina
Classification: Benign for Charcot-Marie-Tooth disease type 4C. Last evaluated: 2018-01-12. Review status: criteria provided, single submitter. Criteria: ICSL Variant Classification Criteria 13 December 2019. Collection method: clinical testing. Allele origin: germline.
Comment: the same text as in the submission from Illumina Laboratory Services, Illumina above.